The following is an entry in ClinVar:

NM_006267.5(RANBP2):c.5996A>T (p.Asp1999Val)

Gene: RANBP2 (RAN binding protein 2; plus strand). Cytogenetic location: 2q13.
Variant type: single nucleotide variant.
Coding change: c.5996A>T on transcript NM_006267.5 (MANE Select); coding-DNA position 5996, A replaced by T.
Protein change: p.Asp1999Val; replaces aspartic acid 1999 with valine.
Molecular consequence: missense variant.
Genome position (GRCh38, 1-based): chr2:108,766,535, A>T. VCF-style: chr2-108766535-A-T. GRCh37 (hg19) VCF-style: chr2-109382991-A-T.
Other names: short protein forms D1999V.
Identifiers: ClinVar variation 642719 (VCV000642719.10), dbSNP rs749247854, ClinGen allele CA1823381.
Genomic context (GRCh38, chr2:108,766,535, plus strand): 5'-TCTCATCACAATACGGTAAAATGGCCAATAAAGCAAACACTTCCGGTGACTTTGAGAAAG[A>T]TGATGATGCCTATAAGACTGAGGACAGCGATGACATCCATTTTGAACCAGTAGTTCAAAT-3'
Protein context (NP_006258.3, residues 1989-2009): KANTSGDFEK[Asp1999Val]DDAYKTEDSD

ClinVar aggregate classification (germline): Uncertain significance. Review status: criteria provided, multiple submitters, no conflicts (2 of 4 stars). 2 submissions from 2 submitters: Uncertain significance (2). Last evaluated 2022-11-18.

Conditions:
Familial acute necrotizing encephalopathy (IIAE3). Also called: Susceptibility to Acute Necrotizing Encephalopathy 1; ENCEPHALOPATHY, ACUTE, INFECTION-INDUCED, SUSCEPTIBILITY TO, 3. Identifiers: Orphanet 88619, MedGen C2675556, MONDO:0011953, OMIM 608033.

Allele frequency attached by ClinVar (database versions not stated): ExAC 0.00001; gnomAD 0.00001 and 0.00002; TOPMed 0.00001.
gnomAD v4.1: 25 of 1,611,852 alleles (0.0016%); highest among the groups gnomAD compares: Non-Finnish European, 0.0019%; no homozygotes.

Submissions (2):

Ambry Genetics
Classification: Uncertain significance. Last evaluated: 2022-11-18. Review status: criteria provided, single submitter. Criteria: Ambry Variant Classification Scheme 2023. Collection method: clinical testing. Allele origin: germline.

Labcorp Genetics (formerly Invitae), Labcorp
Classification: Uncertain significance for Familial acute necrotizing encephalopathy. Last evaluated: 2020-06-20. Review status: criteria provided, single submitter. Criteria: Invitae Variant Classification Sherloc (09022015). Collection method: clinical testing. Allele origin: germline.
Comment: This variant has not been reported in the literature in individuals with RANBP2-related conditions. The frequency data for this variant in the population databases is considered unreliable, as metrics indicate poor data quality at this position in the ExAC database. This sequence change replaces aspartic acid with valine at codon 1999 of the RANBP2 protein (p.Asp1999Val). The aspartic acid residue is highly conserved and there is a large physicochemical difference between aspartic acid and valine. In summary, the available evidence is currently insufficient to determine the role of this variant in disease. Therefore, it has been classified as a Variant of Uncertain Significance. Algorithms developed to predict the effect of missense changes on protein structure and function (SIFT, PolyPhen-2, Align-GVGD) all suggest that this variant is likely to be disruptive, but these predictions have not been confirmed by published functional studies and their clinical significance is uncertain.